The following is an entry in ClinVar:

ClinVar aggregate classification (germline): Pathogenic/Likely pathogenic. Review status: criteria provided, multiple submitters, no conflicts (2 of 4 stars). 5 submissions from 5 submitters: Pathogenic (4); Likely pathogenic (1). Last evaluated 2024-12-13.

Conditions:
Polycystic kidney disease, adult type (PKD1). Also called: Polycystic Kidney, Autosomal Dominant; POLYCYSTIC KIDNEY DISEASE 1 WITH OR WITHOUT POLYCYSTIC LIVER DISEASE; POLYCYSTIC KIDNEY DISEASE, ADULT, TYPE I; Polycystic Kidney Disease 1, Autosomal Dominant; Polycystic kidney disease 1; Polycystic kidney disease 1, severe. Identifiers: MedGen C3149841, MONDO:0008263, OMIM 173900.
Autosomal dominant polycystic kidney disease. Identifiers: Orphanet 730, MedGen C0085413, MONDO:0004691.

Submissions (5):

Victorian Clinical Genetics Services, Murdoch Childrens Research Institute
Classification: Pathogenic for Polycystic kidney disease, adult type. Last evaluated: 2024-12-13. Review status: criteria provided, single submitter. Criteria: ACMG Guidelines, 2015. Collection method: clinical testing. Allele origin: germline. Affected: yes.
Comment: This variant is classified as Pathogenic. Evidence in support of pathogenic classification: Canonical splice site variant without proven consequence on splicing (no functional evidence available); Variant is absent from gnomAD (v2, v3 and v4); This variant has strong previous evidence of pathogenicity in unrelated individuals. It has been classified as pathogenic and likely pathogenic by clinical laboratories in ClinVar, and reported in the literature in individuals with polycystic kidney disease (PMID: 31740684, 30989420); Another splice variant comparable to the one identified in this case has limited previous evidence for pathogenicity. c.11713-2A>G is classified as pathogenic in ClinVar, and was reported in the literature in an affected father and child with ADPKD (PMID: 26139440); Abnormal splicing is predicted by in silico tool and affected nucleotide is highly conserved. Additional information: This variant is heterozygous; This gene is associated with autosomal dominant disease. Polycystic kidney disease 1 (MIM#173900) is predominantly caused by monoallelic variants, with rare reports of biallelic variants causing disease (OMIM); An alternative nucleotide change at the same canonical splice site is observed in gnomAD (v4: 1 heterozygote(s), 0 homozygote(s)); Loss of function is a known mechanism of disease in this gene and is associated with polycystic kidney disease 1 (MIM#173900); Inheritance information for this variant is not currently available in this individual.

GeneDx
Classification: Likely pathogenic. Last evaluated: 2022-08-29. Review status: criteria provided, single submitter. Criteria: GeneDx Variant Classification Process June 2021. Collection method: clinical testing. Allele origin: germline. Affected: yes.
Comment: Canonical splice site variant expected to result in aberrant splicing, although in the absence of functional evidence the actual effect of this sequence change is unknown.; Not observed at significant frequency in large population cohorts (gnomAD); This variant is associated with the following publications: (PMID: 31740684, 33437033, 23300259, Kataoka2022[paper])

Molecular Genetics of Inherited Kidney Disorders Laboratory, Garvan Institute of Medical Research
Classification: Pathogenic for Autosomal dominant polycystic kidney disease. Last evaluated: 2019-01-01. Review status: criteria provided, single submitter. Criteria: ACMG Guidelines, 2015. Collection method: research. Allele origin: germline. Affected: yes.

ARUP Laboratories, Molecular Genetics and Genomics, ARUP Laboratories
Classification: Pathogenic. Last evaluated: 2017-03-16. Review status: criteria provided, single submitter. Criteria: ARUP Molecular Germline Variant Investigation Process. Collection method: clinical testing. Allele origin: germline.

Athena Diagnostics
Classification: Pathogenic. Last evaluated: 2016-12-12. Review status: criteria provided, single submitter. Criteria: Athena Diagnostics Criteria. Collection method: clinical testing. Allele origin: germline.

Literature cited by the submitters: PubMed 30989420 (cited by Victorian Clinical Genetics Services, Murdoch Childrens Research Institute); PubMed 31740684 (cited by Victorian Clinical Genetics Services, Murdoch Childrens Research Institute); PubMed 26139440 (cited by Victorian Clinical Genetics Services, Murdoch Childrens Research Institute); PubMed 23300259 (cited by Athena Diagnostics).

NM_001009944.3(PKD1):c.11713-1G>A

Gene: PKD1 (polycystin 1, transient receptor potential channel interacting; minus strand). Cytogenetic location: 16p13.3.
Variant type: single nucleotide variant.
Coding change: c.11713-1G>A on transcript NM_001009944.3 (MANE Select); the canonical splice acceptor site of the intron before coding-DNA position 11713, G replaced by A.
Molecular consequence: splice acceptor variant.
Genome position (GRCh38, 1-based): chr16:2,091,175, C>T on the plus strand (G>A on the coding strand, the complement: PKD1 is on the minus strand). VCF-style: chr16-2091175-C-T. GRCh37 (hg19) VCF-style: chr16-2141176-C-T.
Other names: c.11710-1G>A (NM_000296.4).
Identifiers: ClinVar variation 440137 (VCV000440137.12), dbSNP rs867092741, ClinGen allele CA394330362.